The following is an entry in ClinVar:

NM_000238.4(KCNH2):c.1558-1G>C

Gene: KCNH2 (potassium voltage-gated channel subfamily H member 2; minus strand). Cytogenetic location: 7q36.1.
Variant type: single nucleotide variant.
Coding change: c.1558-1G>C on transcript NM_000238.4 (MANE Select); the canonical splice acceptor site of the intron before coding-DNA position 1558, G replaced by C.
Molecular consequence: splice acceptor variant.
Genome position (GRCh38, 1-based): chr7:150,951,836, C>G on the plus strand (G>C on the coding strand, the complement: KCNH2 is on the minus strand). VCF-style: chr7-150951836-C-G. GRCh37 (hg19) VCF-style: chr7-150648924-C-G.
Other names: c.1270-1G>C (NM_001406753.1, NM_001406756.1); c.538-1G>C (NM_172057.3, NM_001204798.2); c.1558-1G>C (NM_172056.3); c.1381-1G>C (NM_001406755.1); c.1258-1G>C (NM_001406757.1).
Identifiers: ClinVar variation 1473108 (VCV001473108.9), dbSNP rs2116964889, ClinGen allele CA369859306.
Genomic context (GRCh38, chr7:150,951,836, plus strand): 5'-CAGCTTCCGCGCCACGCGCACCAGCCGCAGCAGCCGCGCAGTCTTCAGCAGCCCGATCAG[C>G]TGGGGGACAGGGAAGGGGCACATTCCGTTGATGGGGCAAGGGGGGCAAGGGAGGAGGGGA-3'

ClinVar aggregate classification (germline): Likely pathogenic (1 of 4 stars; one submission).

Conditions:
Long QT syndrome (LQTS). Identifiers: MedGen C0023976, MeSH D008133, MONDO:0002442. Disease mechanism: loss of function. Inheritance: Various modes of inheritance.

Submission:

Labcorp Genetics (formerly Invitae), Labcorp
Classification: Likely pathogenic for Long QT syndrome. Last evaluated: 2022-11-10. Review status: criteria provided, single submitter. Criteria: Invitae Variant Classification Sherloc (09022015). Collection method: clinical testing. Allele origin: germline.
Comment: This sequence change affects an acceptor splice site in intron 6 of the KCNH2 gene. It is expected to disrupt RNA splicing. Variants that disrupt the donor or acceptor splice site typically lead to a loss of protein function (PMID: 16199547), and loss-of-function variants in KCNH2 are known to be pathogenic (PMID: 10973849, 19862833). This variant is not present in population databases (gnomAD no frequency). Disruption of this splice site has been observed in individual(s) with clinical features of long QT syndrome and/or long QT syndrome (PMID: 26063740, 32383558). ClinVar contains an entry for this variant (Variation ID: 1473108). Algorithms developed to predict the effect of sequence changes on RNA splicing suggest that this variant may disrupt the consensus splice site. In summary, the currently available evidence indicates that the variant is pathogenic, but additional data are needed to prove that conclusively. Therefore, this variant has been classified as Likely Pathogenic.

Literature cited by the submitters: PubMed 16199547; PubMed 10973849; PubMed 19862833; PubMed 26063740; PubMed 32383558.